The following is an entry in ClinVar:

ClinVar aggregate classification (germline): Uncertain significance (1 of 4 stars; one submission).

Allele frequency attached by ClinVar (database versions not stated): gnomAD exomes below 0.00001.
gnomAD v4.1: 1 of 1,614,160 alleles (0.000062%); highest among the groups gnomAD compares: Non-Finnish European, 0.000085%; no homozygotes.

Submission:

Labcorp Genetics (formerly Invitae), Labcorp
Classification: Uncertain significance. Last evaluated: 2022-11-10. Review status: criteria provided, single submitter. Criteria: Invitae Variant Classification Sherloc (09022015). Collection method: clinical testing. Allele origin: germline.
Comment: This sequence change replaces alanine, which is neutral and non-polar, with glycine, which is neutral and non-polar, at codon 198 of the IL12RB2 protein (p.Ala198Gly). This variant is not present in population databases (gnomAD no frequency). This variant has not been reported in the literature in individuals affected with IL12RB2-related conditions. Algorithms developed to predict the effect of missense changes on protein structure and function are either unavailable or do not agree on the potential impact of this missense change (SIFT: "Deleterious"; PolyPhen-2: "Probably Damaging"; Align-GVGD: "Class C0"). In summary, the available evidence is currently insufficient to determine the role of this variant in disease. Therefore, it has been classified as a Variant of Uncertain Significance.

NM_001374259.2(IL12RB2):c.593C>G (p.Ala198Gly)

Gene: IL12RB2 (interleukin 12 receptor subunit beta 2; plus strand). Cytogenetic location: 1p31.3.
Variant type: single nucleotide variant.
Coding change: c.593C>G on transcript NM_001374259.2 (MANE Select); coding-DNA position 593, C replaced by G.
Protein change: p.Ala198Gly; replaces alanine 198 with glycine.
Molecular consequence: missense variant. On other transcripts: non-coding transcript variant (2).
Genome position (GRCh38, 1-based): chr1:67,328,313, C>G. VCF-style: chr1-67328313-C-G. GRCh37 (hg19) VCF-style: chr1-67793996-C-G.
Other names: c.593C>G, p.Ala198Gly (NM_001258214.1, NM_001258215.1, NM_001258216.1 and 2 more transcripts); short protein forms A198G.
Identifiers: ClinVar variation 2811712 (VCV002811712.3), dbSNP rs2525923015, ClinGen allele CA340733129.